The following is an entry in ClinVar:

ClinVar aggregate classification (germline): Uncertain significance. Review status: criteria provided, multiple submitters, no conflicts (2 of 4 stars). 2 submissions from 2 submitters: Uncertain significance (2). Last evaluated 2025-08-02.

Conditions:
RASopathy. Also called: rasopathies; Noonan spectrum disorder. Identifiers: Orphanet 536391, MedGen C5555857, MONDO:0021060.
Cardiovascular phenotype. Identifiers: MedGen CN230736.

gnomAD v4.1: 1 of 1,613,964 alleles (0.000062%); highest among the groups gnomAD compares: African/African-American, 0.0013%; no homozygotes.

Submissions (2):

Ambry Genetics
Classification: Uncertain significance for Cardiovascular phenotype. Last evaluated: 2025-08-02. Review status: criteria provided, single submitter. Criteria: Ambry Variant Classification Scheme 2023. Collection method: clinical testing. Allele origin: germline.
Comment: The p.S452F variant (also known as c.1355C>T), located in coding exon 9 of the CBL gene, results from a C to T substitution at nucleotide position 1355. The serine at codon 452 is replaced by phenylalanine, an amino acid with highly dissimilar properties. This amino acid position is conserved. In addition, the in silico prediction for this alteration is inconclusive. Based on the available evidence, the clinical significance of this variant remains unclear.

Labcorp Genetics (formerly Invitae), Labcorp
Classification: Uncertain significance for RASopathy. Last evaluated: 2025-06-16. Review status: criteria provided, single submitter. Criteria: Invitae Variant Classification Sherloc (09022015). Collection method: clinical testing. Allele origin: germline.
Comment: This sequence change replaces serine, which is neutral and polar, with phenylalanine, which is neutral and non-polar, at codon 452 of the CBL protein (p.Ser452Phe). This variant is not present in population databases (gnomAD no frequency). This variant has not been reported in the literature in individuals affected with CBL-related conditions. Invitae Evidence Modeling of protein sequence and biophysical properties (such as structural, functional, and spatial information, amino acid conservation, physicochemical variation, residue mobility, and thermodynamic stability) indicates that this missense variant is not expected to disrupt CBL protein function with a negative predictive value of 95%. In summary, the available evidence is currently insufficient to determine the role of this variant in disease. Therefore, it has been classified as a Variant of Uncertain Significance.

NM_005188.4(CBL):c.1355C>T (p.Ser452Phe)

Gene: CBL (Cbl proto-oncogene; plus strand). Cytogenetic location: 11q23.3.
Variant type: single nucleotide variant.
Coding change: c.1355C>T on transcript NM_005188.4 (MANE Select); coding-DNA position 1355, C replaced by T.
Protein change: p.Ser452Phe; replaces serine 452 with phenylalanine.
Molecular consequence: missense variant.
Genome position (GRCh38, 1-based): chr11:119,278,637, C>T. VCF-style: chr11-119278637-C-T. GRCh37 (hg19) VCF-style: chr11-119149347-C-T.
Other names: short protein forms S452F.
Identifiers: ClinVar variation 4219885 (VCV004219885.2).